The following is an entry in ClinVar:

ClinVar aggregate classification (germline): Uncertain significance. Review status: criteria provided, multiple submitters, no conflicts (2 of 4 stars). 3 submissions from 3 submitters: Uncertain significance (3). Last evaluated 2025-08-02.

Conditions:
Hereditary cancer-predisposing syndrome. Also called: Tumor predisposition; Hereditary neoplastic syndrome; Hereditary Cancer Syndrome; Neoplastic Syndromes, Hereditary. Identifiers: Orphanet 140162, MedGen C0027672, MeSH D009386, MONDO:0015356.
Haddad syndrome (OHD). Also called: Ondine-Hirschsprung disease. Identifiers: Orphanet 99803, MedGen C1859049, MONDO:0020493.

Allele frequency attached by ClinVar (database versions not stated): gnomAD exomes below 0.00001.

Submissions (3):

Ambry Genetics
Classification: Uncertain significance for Hereditary cancer-predisposing syndrome. Last evaluated: 2025-08-02. Review status: criteria provided, single submitter. Criteria: Ambry Variant Classification Scheme 2023. Collection method: clinical testing. Allele origin: germline.
Comment: The p.K174E variant (also known as c.520A>G), located in coding exon 3 of the PHOX2B gene, results from an A to G substitution at nucleotide position 520. The lysine at codon 174 is replaced by glutamic acid, an amino acid with similar properties. This amino acid position is conserved. In addition, this alteration is predicted to be tolerated by in silico analysis. Based on the available evidence, the clinical significance of this variant remains unclear.

Sema4
Classification: Uncertain significance for Hereditary cancer-predisposing syndrome. Last evaluated: 2021-08-03. Review status: criteria provided, single submitter. Criteria: Sema4 Curation Guidelines. Collection method: curation. Allele origin: germline.
Comment: The PHOX2B c.520A>G (p.K174E) variant has not been reported in the literature to our knowledge. It was not observed in the large and broad cohorts of the Genome Aggregation Database. The variant has been reported in ClinVar (Variation ID 937393). Functional studies have not been performed, and in silico predictions of the variant's effect on protein function are inconclusive. The evidence is insufficient to meet ACMG/AMP criteria for classifying the variant as benign or pathogenic. Thus, the clinical significance of this variant is currently uncertain.

Labcorp Genetics (formerly Invitae), Labcorp
Classification: Uncertain significance for Haddad syndrome. Last evaluated: 2019-06-18. Review status: criteria provided, single submitter. Criteria: Invitae Variant Classification Sherloc (09022015). Collection method: clinical testing. Allele origin: germline.
Comment: In summary, the available evidence is currently insufficient to determine the role of this variant in disease. Therefore, it has been classified as a Variant of Uncertain Significance. Algorithms developed to predict the effect of missense changes on protein structure and function are either unavailable or do not agree on the potential impact of this missense change (SIFT: "Deleterious"; PolyPhen-2: "Not Available"; Align-GVGD: "Class C55"). This variant has not been reported in the literature in individuals with PHOX2B-related conditions. This variant is not present in population databases (ExAC no frequency). This sequence change replaces lysine with glutamic acid at codon 174 of the PHOX2B protein (p.Lys174Glu). The lysine residue is highly conserved and there is a small physicochemical difference between lysine and glutamic acid.

NM_003924.4(PHOX2B):c.520A>G (p.Lys174Glu)

Gene: PHOX2B (paired like homeobox 2B; minus strand). Cytogenetic location: 4p13.
Variant type: single nucleotide variant.
Coding change: c.520A>G on transcript NM_003924.4 (MANE Select); coding-DNA position 520, A replaced by G.
Protein change: p.Lys174Glu; replaces lysine 174 with glutamic acid.
Molecular consequence: missense variant.
Genome position (GRCh38, 1-based): chr4:41,746,232, T>C on the plus strand (A>G on the coding strand, the complement: PHOX2B is on the minus strand). VCF-style: chr4-41746232-T-C. GRCh37 (hg19) VCF-style: chr4-41748249-T-C.
Other names: short protein forms K174E.
Identifiers: ClinVar variation 937393 (VCV000937393.12), dbSNP rs1733895906, ClinGen allele CA356738384.
Genomic context (GRCh38, chr4:41,746,232, plus strand): 5'-TGTCCGGGTCAGTGCTCTTGGCCTCTTTGCTCTCGTCGTCCCTGGAAGAGTCAGACTTTT[T>C]GCCCGAGGAGCCGTTCTTGGCCGCGGCCGCTGCGGCTGCCGCTGCGCGCTCCTGCTTGCG-3'
Protein context (NP_003915.2, residues 164-184): AAAAKNGSSG[Lys174Glu]KSDSSRDDES